The following is an entry in ClinVar:

NM_006208.3(ENPP1):c.2445-5T>C

Gene: ENPP1 (ectonucleotide pyrophosphatase/phosphodiesterase 1; plus strand). Cytogenetic location: 6q23.2.
Variant type: single nucleotide variant.
Coding change: c.2445-5T>C on transcript NM_006208.3 (MANE Select); 5 bases into the intron before coding-DNA position 2445, T replaced by C.
Molecular consequence: intron variant.
Genome position (GRCh38, 1-based): chr6:131,886,557, T>C. VCF-style: chr6-131886557-T-C. GRCh37 (hg19) VCF-style: chr6-132207697-T-C.
Other names: c.2445-5T>C (NM_006208.2).
Identifiers: ClinVar variation 1101510 (VCV001101510.13), dbSNP rs369942606, ClinGen allele CA4002541.

ClinVar aggregate classification (germline): Likely benign. Review status: criteria provided, multiple submitters, no conflicts (2 of 4 stars). 4 submissions from 4 submitters: Likely benign (3). 1 of the submissions does not count toward it. Last evaluated 2023-12-14.

Conditions:
ENPP1-related disorder. Also called: ENPP1-related condition; ENPP1-related disorders.
Obesity. Also called: Obesity disorder. Identifiers: Orphanet 71529, MedGen C0028754, MeSH D009765, MONDO:0011122, HP:0001513.
Hypophosphatemic rickets, autosomal recessive, 2 (ARHR2). Identifiers: Orphanet 289176, MedGen C2750078, MONDO:0013219, OMIM 613312.
Hypopigmentation-punctate palmoplantar keratoderma syndrome. Also called: GUTTATE HYPOPIGMENTATION AND PUNCTATE PALMOPLANTAR KERATODERMA WITH OR WITHOUT ECTOPIC CALCIFICATION; Cole disease. Identifiers: Orphanet 324561, MedGen C3809781, MONDO:0014227, OMIM 615522.
Arterial calcification, generalized, of infancy, 1 (GACI1). Also called: Idiopathic Infantile Arterial Calcification. Identifiers: Orphanet 51608, MedGen C4551985, MONDO:0008817, OMIM 208000.
Type 2 diabetes mellitus. Also called: Type II diabetes mellitus. Identifiers: MedGen C0011860, MeSH D003924, MONDO:0005148, OMIM 125853, HP:0005978.

Allele frequency attached by ClinVar (database versions not stated): gnomAD exomes 0.00002; ExAC 0.00003; TOPMed 0.00003; gnomAD 0.00006; ESP Exome Variant Server 0.00008.
gnomAD v4.1: 153 of 1,605,616 alleles (0.0095%); highest among the groups gnomAD compares: Non-Finnish European, 0.012%; no homozygotes.

Submissions (4):

Blueprint Genetics
Classification: Likely benign. Last evaluated: 2023-12-14. Review status: criteria provided, single submitter. Criteria: ACMG Guidelines, 2015. Collection method: clinical testing. Allele origin: germline.

Labcorp Genetics (formerly Invitae), Labcorp
Classification: Likely benign. Last evaluated: 2023-05-13. Review status: criteria provided, single submitter. Criteria: Invitae Variant Classification Sherloc (09022015). Collection method: clinical testing. Allele origin: germline.

Fulgent Genetics
Classification: Likely benign for Type 2 diabetes mellitus; Arterial calcification, generalized, of infancy, 1; Inherited obesity; Hypophosphatemic rickets, autosomal recessive, 2; Hypopigmentation-punctate palmoplantar keratoderma syndrome. Last evaluated: 2021-08-10. Review status: criteria provided, single submitter. Criteria: ACMG Guidelines, 2015. Collection method: clinical testing. Allele origin: unknown.

PreventionGenetics, part of Exact Sciences
Classification: Likely benign for ENPP1-related condition. Last evaluated: 2019-12-02. Review status: no assertion criteria provided. Collection method: clinical testing. Allele origin: germline. Not counted in ClinVar's aggregate classification.
Comment: This variant is classified as likely benign based on ACMG/AMP sequence variant interpretation guidelines (Richards et al. 2015 PMID: 25741868, with internal and published modifications).